The following is an entry in ClinVar:

ClinVar aggregate classification (germline): Conflicting classifications of pathogenicity. Review status: criteria provided, conflicting classifications (1 of 4 stars). 5 submissions from 5 submitters: Uncertain significance (2); Likely benign (2). 1 of the submissions does not count toward it. Last evaluated 2026-09-21.

Conditions:
Retinal dystrophy. Also called: Inherited retinal dystrophy. Identifiers: Orphanet 71862, MedGen C0854723, MeSH D058499, MONDO:0019118, HP:0000556.
PRPF8-related disorder. Also called: PRPF8-related condition.

Allele frequency attached by ClinVar (database versions not stated): gnomAD exomes 0.00016 and 0.00017; TOPMed 0.00018; ExAC 0.00022; gnomAD 0.00023 and 0.00024; ESP Exome Variant Server 0.00038.
gnomAD v4.1: 273 of 1,613,892 alleles (0.017%); highest among the groups gnomAD compares: Non-Finnish European, 0.021%; no homozygotes.

Submissions (5):

PreventionGenetics, part of Exact Sciences
Classification: Uncertain significance for PRPF8-related condition. Last evaluated: 2026-09-21. Review status: criteria provided, single submitter. Criteria: ACMG Guidelines, 2015. Collection method: clinical testing. Allele origin: germline.
Comment: The PRPF8 c.1253C>G variant is predicted to result in the amino acid substitution p.Thr418Ser. To our knowledge, this variant has not been reported in the literature. This variant is reported in 0.042% of alleles in individuals of European (Non-Finnish) descent in gnomAD, which may be too frequent to be a primary cause of disease. Although we suspect that this variant may be benign, at this time, the clinical significance of this variant is uncertain due to the absence of conclusive functional and genetic evidence.

Labcorp Genetics (formerly Invitae), Labcorp
Classification: Uncertain significance. Last evaluated: 2026-01-27. Review status: criteria provided, single submitter. Criteria: Invitae Variant Classification Sherloc (09022015). Collection method: clinical testing. Allele origin: germline.
Comment: This sequence change replaces threonine, which is neutral and polar, with serine, which is neutral and polar, at codon 418 of the PRPF8 protein (p.Thr418Ser). This variant is present in population databases (rs142411659, gnomAD 0.04%), and has an allele count higher than expected for a pathogenic variant. This variant has not been reported in the literature in individuals affected with PRPF8-related conditions. ClinVar contains an entry for this variant (Variation ID: 321913). Invitae Evidence Modeling of protein sequence and biophysical properties (such as structural, functional, and spatial information, amino acid conservation, physicochemical variation, residue mobility, and thermodynamic stability) indicates that this missense variant is not expected to disrupt PRPF8 protein function with a negative predictive value of 80%. In summary, the available evidence is currently insufficient to determine the role of this variant in disease. Therefore, it has been classified as a Variant of Uncertain Significance.

CeGaT Center for Human Genetics Tuebingen
Classification: Likely benign. Last evaluated: 2026-01-01. Review status: criteria provided, single submitter. Criteria: CeGaT Center For Human Genetics Tuebingen Variant Classification Criteria Version 2. Collection method: clinical testing. Allele origin: germline. Affected: yes. Observed: 2 variant alleles.
Comment: PRPF8: PP3, BS1

Blueprint Genetics
Classification: Likely benign. Last evaluated: 2024-11-25. Review status: criteria provided, single submitter. Criteria: ACMG Guidelines, 2015. Collection method: clinical testing. Allele origin: germline.

Institute of Human Genetics, Univ. Regensburg, Univ. Regensburg
Classification: Uncertain significance for Retinal dystrophy. Last evaluated: 2021-01-01. Review status: no assertion criteria provided. Criteria: ACMG Guidelines, 2015. Collection method: clinical testing. Allele origin: germline. Affected: yes. Not counted in ClinVar's aggregate classification.

NM_006445.4(PRPF8):c.1253C>G (p.Thr418Ser)

Gene: PRPF8 (pre-mRNA processing factor 8; minus strand). Cytogenetic location: 17p13.3.
Variant type: single nucleotide variant.
Coding change: c.1253C>G on transcript NM_006445.4 (MANE Select); coding-DNA position 1253, C replaced by G.
Protein change: p.Thr418Ser; replaces threonine 418 with serine.
Molecular consequence: missense variant.
Genome position (GRCh38, 1-based): chr17:1,679,645, G>C on the plus strand (C>G on the coding strand, the complement: PRPF8 is on the minus strand). VCF-style: chr17-1679645-G-C. GRCh37 (hg19) VCF-style: chr17-1582939-G-C.
Other names: short protein forms T418S.
Identifiers: ClinVar variation 321913 (VCV000321913.35), dbSNP rs142411659, ClinGen allele CA8272407.